The following is an entry in ClinVar:

ClinVar aggregate classification (germline): Uncertain significance (1 of 4 stars; one submission).

Conditions:
Ehlers-Danlos syndrome, dermatosparaxis type. Also called: Dermatosparaxis; EDS VIIC; Ehlers-Danlos syndrome, type VII, autosomal recessive. Identifiers: Orphanet 1901, MedGen C2700425, MONDO:0009161, OMIM 225410.

Allele frequency attached by ClinVar (database versions not stated): gnomAD exomes 0.00001; ExAC 0.00002.
gnomAD v4.1: 9 of 1,613,674 alleles (0.00056%); highest among the groups gnomAD compares: Non-Finnish European, 0.00068%; no homozygotes.

Submission:

Labcorp Genetics (formerly Invitae), Labcorp
Classification: Uncertain significance for Ehlers-Danlos syndrome, dermatosparaxis type. Last evaluated: 2021-09-01. Review status: criteria provided, single submitter. Criteria: Invitae Variant Classification Sherloc (09022015). Collection method: clinical testing. Allele origin: germline.
Comment: This sequence change replaces arginine with histidine at codon 390 of the ADAMTS2 protein (p.Arg390His). The arginine residue is highly conserved and there is a small physicochemical difference between arginine and histidine. This variant is present in population databases (rs768623482, ExAC 0.003%). This variant has not been reported in the literature in individuals affected with ADAMTS2-related conditions. Algorithms developed to predict the effect of missense changes on protein structure and function (SIFT, PolyPhen-2, Align-GVGD) all suggest that this variant is likely to be disruptive. In summary, the available evidence is currently insufficient to determine the role of this variant in disease. Therefore, it has been classified as a Variant of Uncertain Significance.

NM_014244.5(ADAMTS2):c.1169G>A (p.Arg390His)

Gene: ADAMTS2 (ADAM metallopeptidase with thrombospondin type 1 motif 2; minus strand). Cytogenetic location: 5q35.3.
Variant type: single nucleotide variant.
Coding change: c.1169G>A on transcript NM_014244.5 (MANE Select); coding-DNA position 1169, G replaced by A.
Protein change: p.Arg390His; replaces arginine 390 with histidine.
Molecular consequence: missense variant.
Genome position (GRCh38, 1-based): chr5:179,154,883, C>T on the plus strand (G>A on the coding strand, the complement: ADAMTS2 is on the minus strand). VCF-style: chr5-179154883-C-T. GRCh37 (hg19) VCF-style: chr5-178581884-C-T.
Other names: c.1169G>A, p.Arg390His (NM_021599.4); short protein forms R390H.
Identifiers: ClinVar variation 1447191 (VCV001447191.5), dbSNP rs768623482, ClinGen allele CA3596011.